The following is an entry in ClinVar:

NM_006904.7(PRKDC):c.825T>G (p.Phe275Leu)

Gene: PRKDC (protein kinase, DNA-activated, catalytic subunit; minus strand). Cytogenetic location: 8q11.21.
Variant type: single nucleotide variant.
Coding change: c.825T>G on transcript NM_006904.7 (MANE Select); coding-DNA position 825, T replaced by G.
Protein change: p.Phe275Leu; replaces phenylalanine 275 with leucine.
Molecular consequence: missense variant.
Genome position (GRCh38, 1-based): chr8:47,943,350, A>C on the plus strand (T>G on the coding strand, the complement: PRKDC is on the minus strand). VCF-style: chr8-47943350-A-C. GRCh37 (hg19) VCF-style: chr8-48855910-A-C.
Other names: c.825T>G, p.Phe275Leu (NM_001081640.2); short protein forms F275L.
Identifiers: ClinVar variation 2449885 (VCV002449885.2), dbSNP rs2551880640, ClinGen allele CA371136292.

ClinVar aggregate classification (germline): Uncertain significance (1 of 4 stars; one submission).

Submission:

Ambry Genetics
Classification: Uncertain significance. Last evaluated: 2023-02-18. Review status: criteria provided, single submitter. Criteria: Ambry Variant Classification Scheme 2023. Collection method: clinical testing. Allele origin: germline.
Comment: The p.F275L variant (also known as c.825T>G), located in coding exon 10 of the PRKDC gene, results from a T to G substitution at nucleotide position 825. The phenylalanine at codon 275 is replaced by leucine, an amino acid with highly similar properties. This amino acid position is conserved. In addition, this alteration is predicted to be tolerated by in silico analysis. Since supporting evidence is limited at this time, the clinical significance of this alteration remains unclear.